The following is an entry in ClinVar:

ClinVar aggregate classification (germline): Pathogenic. Review status: criteria provided, multiple submitters, no conflicts (2 of 4 stars). 11 submissions from 11 submitters: Pathogenic (8). 3 of the submissions do not count toward it. Last evaluated 2025-09-05.

Conditions:
DYRK1A-related intellectual disability syndrome (MRD7). Also called: DYRK1A Syndrome; Intellectual developmental disorder, autosomal dominant 7. Identifiers: Orphanet 464306, MedGen C5568143, MONDO:0013578, OMIM 614104.
Autism spectrum disorder. Also called: Autism spectrum disorders. Identifiers: MedGen C1510586, MeSH D000067877, MONDO:0005258.
Intellectual disability. Also called: Intellectual functioning disability; intellectual disabilities; Intellectual developmental disorder. Identifiers: MedGen C3714756, MeSH D008607, MONDO:0001071, HP:0001249.
Paediatric disorders.
Microcephaly. Also called: Microcephaly (disease). Identifiers: MedGen C4551563, MONDO:0001149, HP:0000252.
Absent or delayed speech development. Identifiers: MedGen C3276611.
Deeply set eye. Also called: sunken eyes; Deep-set eyes. Identifiers: MedGen C0423224, HP:0000490.
Seizure. Also called: Seizures. Identifiers: MedGen C0036572, HP:0001250.
Feeding difficulties. Also called: Poor feeding. Identifiers: MedGen C0232466, HP:0011968.
Inborn genetic diseases. Identifiers: MedGen C0950123, MeSH D030342.

Submissions (11):

GeneDx
Classification: Pathogenic. Last evaluated: 2025-09-05. Review status: criteria provided, single submitter. Criteria: GeneDx Variant Classification Process June 2021. Collection method: clinical testing. Allele origin: germline. Affected: yes.
Comment: Nonsense variant predicted to result in protein truncation or nonsense mediated decay in a gene for which loss of function is a known mechanism of disease; Not observed at significant frequency in large population cohorts (gnomAD); This variant is associated with the following publications: (PMID: 34345024, 28492532, 28053047, 29034068, 36772973, 33057194, 34946966, 35982159, 31164858, 32094338, 31526516, 31785789, 33562844, 25920557)

Labcorp Genetics (formerly Invitae), Labcorp
Classification: Pathogenic for DYRK1A-related intellectual disability syndrome. Last evaluated: 2025-07-14. Review status: criteria provided, single submitter. Criteria: Invitae Variant Classification Sherloc (09022015). Collection method: clinical testing. Allele origin: germline.
Comment: This sequence change creates a premature translational stop signal (p.Arg255*) in the DYRK1A gene. It is expected to result in an absent or disrupted protein product. Loss-of-function variants in DYRK1A are known to be pathogenic (PMID: 25944381). This variant is not present in population databases (gnomAD no frequency). This premature translational stop signal has been observed in individual(s) with developmental disorders, including intellectual disability and autism (PMID: 25920557, 28053047, 29034068). In at least one individual the variant was observed to be de novo. ClinVar contains an entry for this variant (Variation ID: 162152). For these reasons, this variant has been classified as Pathogenic.

North West Genomic Laboratory Hub, Manchester University NHS Foundation Trust
Classification: Pathogenic for Paediatric disorders. Last evaluated: 2025-06-03. Review status: criteria provided, single submitter. Criteria: ACGS Best Practice Guidelines for Variant Classification in Rare Disease 2024. Collection method: clinical testing. Allele origin: germline. Affected: yes.
Comment: PM2_Mod PS2_VStr PS4_Mod PVS1_VStr

Ambry Genetics
Classification: Pathogenic for Inborn genetic diseases. Last evaluated: 2024-01-18. Review status: criteria provided, single submitter. Criteria: Ambry Variant Classification Scheme 2023. Collection method: clinical testing. Allele origin: germline.
Comment: The c.763C>T (p.R255*) alteration, located in exon 6 (coding exon 6) of the DYRK1A gene, consists of a C to T substitution at nucleotide position 763. This changes the amino acid from an arginine (R) to a stop codon at amino acid position 255. This alteration is expected to result in loss of function by premature protein truncation or nonsense-mediated mRNA decay. This variant was not reported in population-based cohorts in the Genome Aggregation Database (gnomAD). This variant has been determined to be the result of a de novo mutation in multiple individuals with features consistent with DYRK1A-related neurodevelopmental disorder (Bronicki, 2015; Earl, 2017; DECIPHER v.9.32). Based on the available evidence, this alteration is classified as pathogenic.

Neuberg Centre For Genomic Medicine, NCGM
Classification: Pathogenic for DYRK1A-related intellectual disability syndrome. Last evaluated: 2023-02-14. Review status: criteria provided, single submitter. Criteria: ACMG Guidelines, 2015. Collection method: clinical testing. Allele origin: germline. Inheritance: Autosomal dominant inheritance. Affected: yes.
Comment: The stop gained c.736C>T(p.Arg246Ter) variant in DYRK1A gene has been reported previously as de novo in individual(s) affected with developmental disorders, including intellectual disability and autism (Earl RK, et. al., 2017; Bronicki LM, et. al., 2015). The c.736C>T variant is novel (not in any individuals) in gnomAD Exomes and 1000 Genomes. This variant has been reported to the ClinVar database as Pathogenic (multiple submissions). The nucleotide change c.736C>T in DYRK1A is predicted as conserved by GERP++ and PhyloP across 100 vertebrates. This sequence change creates a premature translational stop signal (p.Arg255Ter) in the DYRK1A gene. This variant is predicted to cause loss of normal protein function through protein truncation. Loss of function variants in DYRK1A gene have been previously reported to be disease causing (Ji J, et. al., 2015). For these reasons, this variant has been classified as Pathogenic. This variant in DYRK1A gene is absent in both the parents, hence, confirming that this is a de-novo variant.

CeGaT Center for Human Genetics Tuebingen
Classification: Pathogenic. Last evaluated: 2020-07-01. Review status: criteria provided, single submitter. Criteria: CeGaT Center For Human Genetics Tuebingen Variant Classification Criteria Version 2. Collection method: clinical testing. Allele origin: germline. Affected: yes. Observed: 1 variant allele.

Genetic Services Laboratory, University of Chicago
Classification: Pathogenic for Mental retardation, autosomal dominant 7. Last evaluated: 2016-06-30. Review status: criteria provided, single submitter. Criteria: ACMG Guidelines, 2015. Collection method: clinical testing. Allele origin: germline. Affected: yes.

Department of Genetics, Rouen University Hospital, Normandy Center for Genomic and Personalized Medicine
Classification: Pathogenic for Autism spectrum disorder. Review status: criteria provided, single submitter. Criteria: ACMG Guidelines, 2015. Collection method: clinical testing. Allele origin: unknown. Affected: yes.

Diagnostic Laboratory, Strasbourg University Hospital
Classification: Pathogenic for intellectual disability. Last evaluated: 2019-06-19. Review status: no assertion criteria provided. Collection method: clinical testing. Allele origin: de novo. Inheritance: Sporadic. Affected: yes. Observed: 1 variant allele, 1 heterozygote. Not counted in ClinVar's aggregate classification.

Greenwood Genetic Center Diagnostic Laboratories, Greenwood Genetic Center
Classification: Pathogenic for Intellectual disability; Microcephaly; Feeding difficulties; Absent or delayed speech development; Seizures; Deeply set eye. Last evaluated: 2014-09-09. Review status: no assertion criteria provided. Collection method: research. Allele origin: de novo. Affected: yes. Not counted in ClinVar's aggregate classification.

Service de Génétique Moléculaire, Hôpital Robert Debré
Classification: Pathogenic for DYRK1A-related intellectual disability syndrome. Review status: no assertion criteria provided. Collection method: clinical testing. Allele origin: unknown. Affected: yes. Not counted in ClinVar's aggregate classification.

Literature cited by the submitters: PubMed 25944381 (cited by Labcorp Genetics (formerly Invitae), Labcorp); PubMed 25920557 (cited by Labcorp Genetics (formerly Invitae), Labcorp and Ambry Genetics); PubMed 28053047 (cited by Labcorp Genetics (formerly Invitae), Labcorp); PubMed 29034068 (cited by Labcorp Genetics (formerly Invitae), Labcorp and Ambry Genetics).

NM_001347721.2(DYRK1A):c.736C>T (p.Arg246Ter)

Gene: DYRK1A (dual specificity tyrosine phosphorylation regulated kinase 1A; plus strand). Cytogenetic location: 21q22.13.
Variant type: single nucleotide variant.
Coding change: c.736C>T on transcript NM_001347721.2 (MANE Select); coding-DNA position 736, C replaced by T.
Protein change: p.Arg246Ter; replaces arginine 246 with a stop codon.
Molecular consequence: nonsense.
Genome position (GRCh38, 1-based): chr21:37,490,273, C>T. VCF-style: chr21-37490273-C-T. GRCh37 (hg19) VCF-style: chr21-38862575-C-T.
Other names: c.736C>T, p.Arg246Ter (NM_001347722.2, NM_130436.2); c.649C>T, p.Arg217Ter (NM_001347723.2); c.763C>T, p.Arg255Ter (NM_001396.5, NM_101395.2, NM_130438.2); short protein forms R255*, R217*, R246*.
Identifiers: ClinVar variation 162152 (VCV000162152.59), dbSNP rs724159948, ClinGen allele CA278446.
Genomic context (GRCh38, chr21:37,490,273, plus strand): 5'-TGTTTAGTTTTTGAAATGCTGTCCTACAACCTCTATGACTTGCTGAGAAACACCAATTTC[C>T]GAGGGGTCTCTTTGAACCTAACACGAAAGTTTGCGCAACAGATGTGCACTGCACTGCTTT-3'